The following is an entry in ClinVar:

ClinVar aggregate classification (germline): Likely pathogenic (1 of 4 stars; one submission).

Conditions:
Pyruvate carboxylase deficiency. Also called: ATAXIA WITH LACTIC ACIDOSIS II; LEIGH NECROTIZING ENCEPHALOPATHY DUE TO PYRUVATE CARBOXYLASE DEFICIENCY; LEIGH SYNDROME DUE TO PYRUVATE CARBOXYLASE DEFICIENCY; PC DEFICIENCY; Pyruvate Carboxylase Deficiency Disease. Identifiers: Orphanet 3008, MedGen C0034341, MONDO:0009949, OMIM 266150.

Submission:

Myriad Genetics, Inc.
Classification: Likely pathogenic for Pyruvate carboxylase deficiency. Last evaluated: 2022-03-03. Review status: criteria provided, single submitter. Criteria: Myriad Women's Health Autosomal Recessive and X-Linked Classification Criteria (2021). Collection method: clinical testing. Allele origin: unknown.
Comment: NM_000920.3(PC):c.1296_1304del9ins4(H432Qfs*118) is expected to be pathogenic in the context of pyruvate carboxylase deficiency. This variant is predicted to lead to an abnormal or absent protein product due to the creation of a premature termination codon in PC, a gene where loss-of-function variants are known to be pathogenic. Please note: this variant was assessed in the context of healthy population screening.

NM_001040716.2(PC):c.1296_1304delinsGGCC (p.His432fs)

Gene: PC (pyruvate carboxylase; minus strand). Cytogenetic location: 11q13.2.
Variant type: Indel.
Coding change: c.1296_1304delinsGGCC on transcript NM_001040716.2 (MANE Select); coding-DNA positions 1296 to 1304, CGGCAAAGA replaced by GGCC.
Protein change: p.His432fs; shifts the reading frame from histidine 432.
Molecular consequence: frameshift variant.
Genome position (GRCh38, 1-based): chr11:66,863,838-66,863,846, TCTTTGCCG replaced by GGCC on the plus strand (CGGCAAAGA replaced by GGCC on the coding strand, the reverse complement: PC is on the minus strand). VCF-style: chr11-66863838-TCTTTGCCG-GGCC. GRCh37 (hg19) VCF-style: chr11-66631309-TCTTTGCCG-GGCC.
Other names: c.1296_1304delinsGGCC, p.His432fs (NM_000920.4, NM_022172.3); short protein forms H432fs.
Identifiers: ClinVar variation 1724981 (VCV001724981.2), dbSNP rs2495673466, ClinGen allele CA2580084567.
Genomic context (GRCh38, chr11:66,863,838, plus strand): 5'-ACACCTCGGACGCGGAACTCCGCAAGGGCCCTGCTCATCTTGGTGGCGGCCGTGGGGTGG[TCTTTGCCG>GGCC]TGGGCAATGACTTTGACCAGCAGGGAGTCGTAGTGGGGCGAGATGACGGCTCCTTGGAAG-3'